The following is an entry in ClinVar:

ClinVar aggregate classification (germline): Uncertain significance (1 of 4 stars; one submission).

Conditions:
Hypoplastic acetabulae. Identifiers: MedGen C1846442, HP:0003274.
Osteopenia. Identifiers: MedGen C0029453, HP:0000938.
Decreased circulating vitamin D concentration. Also called: Vitamin-D deficiency. Identifiers: MedGen C0042870, MONDO:0100471, HP:0100512.
Brachycephaly. Identifiers: Orphanet 35099, MedGen C0221356, HP:0000248.
Diaphyseal dysplasia. Also called: Camurati-Engelmann Disease; ENGELMANN DISEASE; PROGRESSIVE DIAPHYSEAL DYSPLASIA. Identifiers: Orphanet 1328, MedGen C0011989, MONDO:0007542, HP:0100252.
Diaphyseal sclerosis. Identifiers: MedGen C4551853, HP:0003034.
Elevated circulating alkaline phosphatase concentration. Also called: Elevated alkaline phosphatase. Identifiers: MedGen C1314665, HP:0003155.

Allele frequency attached by ClinVar (database versions not stated): gnomAD exomes below 0.00001.
gnomAD v4.1: 1 of 1,614,178 alleles (0.000062%); highest among the groups gnomAD compares: Non-Finnish European, 0.000085%; no homozygotes.

Submission:

Diagnostics Services (NGS), CSIR - Centre For Cellular And Molecular Biology
Classification: Uncertain significance for Diaphyseal sclerosis; Osteopenia; Hypoplastic acetabulae; Diaphyseal dysplasia; Brachycephaly; Decreased circulating vitamin D concentration; Elevated circulating alkaline phosphatase concentration. Last evaluated: 2020-01-01. Review status: criteria provided, single submitter. Criteria: ACMG Guidelines, 2015. Collection method: clinical testing. Allele origin: unknown. Inheritance: Autosomal dominant inheritance. Affected: yes. Observed: 1 heterozygote.
Comment: The c.1618C>T variant is not present in publicly available databases like Exome Variant Server (EVS), 1000 Genomes, Exome Aggregation Consortium (ExAC), Genome Aggregation Database (gnomAD) and dbSNP. The variant is also not present in our in-house exome database. The variant was not reported to OMIM, ClinVar and Human Genome Mutation Database (HGMD) in other affected individuals. In-silico pathogenicity prediction programs like SIFT, PolyPhen-2, MutationTaster2, CADD etc. predicted this variant as likely deleterious, however no functional studies were performed. Due to lack of enough evidence for the pathogenicity of the variant and also considering the phenotype of the patient the variant has been classified as uncertain significance.

NM_002335.4(LRP5):c.1618C>T (p.Leu540Phe)

Gene: LRP5 (LDL receptor related protein 5; plus strand). Cytogenetic location: 11q13.2.
Variant type: single nucleotide variant.
Coding change: c.1618C>T on transcript NM_002335.4 (MANE Select); coding-DNA position 1618, C replaced by T.
Protein change: p.Leu540Phe; replaces leucine 540 with phenylalanine.
Molecular consequence: missense variant. On other transcripts: 5 prime UTR variant (1).
Genome position (GRCh38, 1-based): chr11:68,403,516, C>T. VCF-style: chr11-68403516-C-T. GRCh37 (hg19) VCF-style: chr11-68170984-C-T.
Other names: c.-320C>T (NM_001291902.2); short protein forms L540F.
Identifiers: ClinVar variation 805882 (VCV000805882.5), dbSNP rs1591284438, ClinGen allele CA381614154.
Genomic context (GRCh38, chr11:68,403,516, plus strand): 5'-CAGACCTATATTTCTGCCGTCCTGCAGGTGATCAATGTTGATGGGACGAAGAGGCGGACC[C>T]TCCTGGAGGACAAGCTCCCGCACATTTTTGGGTTCACGCTGCTGGGGGACTTCATCTACT-3'
Protein context (NP_002326.2, residues 530-550): INVDGTKRRT[Leu540Phe]LEDKLPHIFG